The following is an entry in ClinVar:

ClinVar aggregate classification (germline): Benign. Review status: criteria provided, single submitter (1 of 4 stars). 2 submissions from 2 submitters: Benign (1). 1 of the submissions does not count toward it. Last evaluated 2019-12-31.

Conditions:
NEK9-related disorder. Also called: NEK9-related condition.

Allele frequency attached by ClinVar (database versions not stated): gnomAD 0.00002 and 0.00073; TOPMed 0.00014; gnomAD exomes 0.00266; ExAC 0.00309; 1000 Genomes Project 30x 0.00344; 1000 Genomes Project 0.00379.
gnomAD v4.1: 1,956 of 1,614,082 alleles (0.12%); highest among the groups gnomAD compares: South Asian, 2%; 26 homozygotes.

Submissions (2):

Labcorp Genetics (formerly Invitae), Labcorp
Classification: Benign. Last evaluated: 2019-12-31. Review status: criteria provided, single submitter. Criteria: Invitae Variant Classification Sherloc (09022015). Collection method: clinical testing. Allele origin: germline.

PreventionGenetics, part of Exact Sciences
Classification: Benign for NEK9-related condition. Last evaluated: 2023-12-22. Review status: no assertion criteria provided. Collection method: clinical testing. Allele origin: germline. Not counted in ClinVar's aggregate classification.
Comment: This variant is classified as benign based on ACMG/AMP sequence variant interpretation guidelines (Richards et al. 2015 PMID: 25741868, with internal and published modifications).

NM_033116.6(NEK9):c.264G>C (p.Leu88=)

Gene: NEK9 (NIMA related kinase 9; minus strand). Cytogenetic location: 14q24.3.
Variant type: single nucleotide variant.
Coding change: c.264G>C on transcript NM_033116.6 (MANE Select); coding-DNA position 264, G replaced by C.
Protein change: p.Leu88=; no amino-acid change (leucine 88 retained).
Molecular consequence: synonymous variant. On other transcripts: 5 prime UTR variant (1).
Genome position (GRCh38, 1-based): chr14:75,124,179, C>G on the plus strand (G>C on the coding strand, the complement: NEK9 is on the minus strand). VCF-style: chr14-75124179-C-G. GRCh37 (hg19) VCF-style: chr14-75590882-C-G.
Other names: c.264G>C, p.Leu88= (NM_001329237.2); c.-91G>C (NM_001329238.2); c.264G>C (NM_033116.5).
Identifiers: ClinVar variation 741729 (VCV000741729.6), dbSNP rs562180803, ClinGen allele CA7277294.